The following is an entry in ClinVar:

NM_005188.4(CBL):c.1432G>A (p.Val478Met)

Gene: CBL (Cbl proto-oncogene; plus strand). Cytogenetic location: 11q23.3.
Variant type: single nucleotide variant.
Coding change: c.1432G>A on transcript NM_005188.4 (MANE Select); coding-DNA position 1432, G replaced by A.
Protein change: p.Val478Met; replaces valine 478 with methionine.
Molecular consequence: missense variant.
Genome position (GRCh38, 1-based): chr11:119,284,969, G>A. VCF-style: chr11-119284969-G-A. GRCh37 (hg19) VCF-style: chr11-119155679-G-A.
Other names: short protein forms V478M.
Identifiers: ClinVar variation 4613833 (VCV004613833.1).
Genomic context (GRCh38, chr11:119,284,969, plus strand): 5'-AGTTGAAAGATGCCATTTCCCCAAACGAAAGTAATCTGTTAAATTTTTTATGTACCCTAG[G>A]TGGAACGGCCGCCTTCTCCATTCTCCATGGCCCCACAAGCTTCCCTTCCCCCGGTGCCAC-3'
Protein context (NP_005179.2, residues 468-488): FMMKELAGAK[Val478Met]ERPPSPFSMA

ClinVar aggregate classification (germline): Uncertain significance (1 of 4 stars; one submission).

Conditions:
Cardiovascular phenotype. Identifiers: MedGen CN230736.

gnomAD v4.1: 1 of 1,614,052 alleles (0.000062%); highest among the groups gnomAD compares: Non-Finnish European, 0.000085%; no homozygotes.

Submission:

Ambry Genetics
Classification: Uncertain significance for Cardiovascular phenotype. Last evaluated: 2025-10-11. Review status: criteria provided, single submitter. Criteria: Ambry Variant Classification Scheme 2023. Collection method: clinical testing. Allele origin: germline.
Comment: The p.V478M variant (also known as c.1432G>A) is located in coding exon 10 of the CBL gene. The valine at codon 478 is replaced by methionine, an amino acid with highly similar properties. This change occurs in the first base pair of coding exon 10. This amino acid position is conserved. In addition, the in silico prediction for this alteration is inconclusive. Based on the available evidence, the clinical significance of this variant remains unclear.